The following is an entry in ClinVar:

NM_173543.3(DZIP1L):c.451A>G (p.Ser151Gly)

Gene: DZIP1L (DAZ interacting zinc finger protein 1 like; minus strand). Cytogenetic location: 3q22.3.
Variant type: single nucleotide variant.
Coding change: c.451A>G on transcript NM_173543.3 (MANE Select); coding-DNA position 451, A replaced by G.
Protein change: p.Ser151Gly; replaces serine 151 with glycine.
Molecular consequence: missense variant.
Genome position (GRCh38, 1-based): chr3:138,103,521, T>C on the plus strand (A>G on the coding strand, the complement: DZIP1L is on the minus strand). VCF-style: chr3-138103521-T-C. GRCh37 (hg19) VCF-style: chr3-137822363-T-C.
Other names: c.451A>G, p.Ser151Gly (NM_001170538.1); short protein forms S151G.
Identifiers: ClinVar variation 3506228 (VCV003506228.2).

ClinVar aggregate classification (germline): Uncertain significance. Review status: criteria provided, multiple submitters, no conflicts (2 of 4 stars). 2 submissions from 2 submitters: Uncertain significance (2). Last evaluated 2025-05-15.

Conditions:
Inborn genetic diseases. Identifiers: MedGen C0950123, MeSH D030342.
DZIP1L-related disorder. Also called: DZIP1L-related condition.

gnomAD v4.1: 31 of 1,611,906 alleles (0.0019%); highest among the groups gnomAD compares: East Asian, 0.018%; no homozygotes.

Submissions (2):

PreventionGenetics, part of Exact Sciences
Classification: Uncertain significance for DZIP1L-related condition. Last evaluated: 2025-05-15. Review status: criteria provided, single submitter. Criteria: ACMG Guidelines, 2015. Collection method: clinical testing. Allele origin: germline.
Comment: The DZIP1L c.451A>G variant is predicted to result in the amino acid substitution p.Ser151Gly. To our knowledge, this variant has not been reported in the literature. This variant is reported in 0.020% of alleles in individuals of East Asian descent in gnomAD. At this time, the clinical significance of this variant is uncertain due to the absence of conclusive functional and genetic evidence.

Ambry Genetics
Classification: Uncertain significance for Inborn genetic diseases. Last evaluated: 2024-11-13. Review status: criteria provided, single submitter. Criteria: Ambry Variant Classification Scheme 2023. Collection method: clinical testing. Allele origin: germline.